The following is an entry in ClinVar:

NM_015215.4(CAMTA1):c.893G>A (p.Gly298Glu)

Gene: CAMTA1 (calmodulin binding transcription activator 1; plus strand). Cytogenetic location: 1p36.23.
Variant type: single nucleotide variant.
Coding change: c.893G>A on transcript NM_015215.4 (MANE Select); coding-DNA position 893, G replaced by A.
Protein change: p.Gly298Glu; replaces glycine 298 with glutamic acid.
Molecular consequence: missense variant.
Genome position (GRCh38, 1-based): chr1:7,663,440, G>A. VCF-style: chr1-7663440-G-A. GRCh37 (hg19) VCF-style: chr1-7723500-G-A.
Other names: c.893G>A (NM_015215.2); c.803G>A, p.Gly268Glu (NM_001349608.2, NM_001349612.2); c.893G>A, p.Gly298Glu (NM_001349609.2, NM_001349610.2); short protein forms G298E, G268E.
Identifiers: ClinVar variation 392786 (VCV000392786.3), dbSNP rs1057524631, ClinGen allele CA16603758.

ClinVar aggregate classification (germline): Uncertain significance. Review status: criteria provided, multiple submitters, no conflicts (2 of 4 stars). 2 submissions from 2 submitters: Uncertain significance (2). Last evaluated 2025-07-02.

Conditions:
Inborn genetic diseases. Identifiers: MedGen C0950123, MeSH D030342.

Allele frequency attached by ClinVar (database versions not stated): gnomAD 0.00001; TOPMed 0.00002.
gnomAD v4.1: 9 of 1,578,800 alleles (0.00057%); highest among the groups gnomAD compares: Admixed American, 0.0034%; no homozygotes.

Submissions (2):

Ambry Genetics
Classification: Uncertain significance for Inborn genetic diseases. Last evaluated: 2025-07-02. Review status: criteria provided, single submitter. Criteria: Ambry Variant Classification Scheme 2023. Collection method: clinical testing. Allele origin: germline.

GeneDx
Classification: Uncertain significance. Last evaluated: 2017-01-17. Review status: criteria provided, single submitter. Criteria: GeneDx Variant Classification (06012015). Collection method: clinical testing. Allele origin: germline. Affected: yes.
Comment: The G298E variant in the CAMTA1 gene has not been reported previously as a pathogenic variant, nor as a benign variant, to our knowledge. The G298E variant was not observed in approximately 6500 individuals of European and African American ancestry in the NHLBI Exome Sequencing Project, indicating it is not a common benign variant in these populations. The G298E variant is a non-conservative amino acid substitution, which is likely to impact secondary protein structure as these residues differ in polarity, charge, size and/or other properties. However, this substitution occurs at a position that is not conserved and in silico analysis is inconsistent in its predictions as to whether or not the variant is damaging to the protein structure/function. Therefore, we interpret G298E as a variant of uncertain significance.